The following is an entry in ClinVar:

ClinVar aggregate classification (germline): Likely pathogenic (1 of 4 stars; one submission).

Submission:

Labcorp Genetics (formerly Invitae), Labcorp
Classification: Likely pathogenic. Last evaluated: 2023-11-12. Review status: criteria provided, single submitter. Criteria: Invitae Variant Classification Sherloc (09022015). Collection method: clinical testing. Allele origin: unknown.
Comment: This variant results in the deletion of exons 3-6 and part of exon 7 (c.295+1321_1204del) of the TNFAIP3 gene. It is expected to disrupt RNA splicing. Variants that disrupt the donor or acceptor splice site typically lead to a loss of protein function (PMID: 16199547), and loss-of-function variants in TNFAIP3 are known to be pathogenic (PMID: 26642243). This variant has not been reported in the literature in individuals affected with TNFAIP3-related conditions. In summary, the currently available evidence indicates that the variant is pathogenic, but additional data are needed to prove that conclusively. Therefore, this variant has been classified as Likely Pathogenic.

Literature cited by the submitters: PubMed 16199547; PubMed 26642243.

NC_000006.11:g.(?_138193980)_(138199786_?)del

Gene: TNFAIP3 (TNF alpha induced protein 3; plus strand). Cytogenetic location: 6q23.3.
Variant type: Deletion.
Identifiers: ClinVar variation 3246200 (VCV003246200.1).